The following is an entry in ClinVar:

NM_002473.6(MYH9):c.1561C>T (p.Pro521Ser)

Gene: MYH9 (myosin heavy chain 9; minus strand). Cytogenetic location: 22q12.3.
Variant type: single nucleotide variant.
Coding change: c.1561C>T on transcript NM_002473.6 (MANE Select); coding-DNA position 1561, C replaced by T.
Protein change: p.Pro521Ser; replaces proline 521 with serine.
Molecular consequence: missense variant.
Genome position (GRCh38, 1-based): chr22:36,312,216, G>A on the plus strand (C>T on the coding strand, the complement: MYH9 is on the minus strand). VCF-style: chr22-36312216-G-A. GRCh37 (hg19) VCF-style: chr22-36708261-G-A.
Other names: short protein forms P521S.
Identifiers: ClinVar variation 1337882 (VCV001337882.5), dbSNP rs1452533167, ClinGen allele CA411400614.

ClinVar aggregate classification (germline): Uncertain significance. Review status: criteria provided, multiple submitters, no conflicts (2 of 4 stars). 2 submissions from 2 submitters: Uncertain significance (2). Last evaluated 2026-04-07.

Conditions:
MYH9-related disorder. Identifiers: MedGen C1854520.

Allele frequency attached by ClinVar (database versions not stated): gnomAD exomes 0.00001.
gnomAD v4.1: 4 of 1,614,070 alleles (0.00025%); highest among the groups gnomAD compares: Non-Finnish European, 0.00034%; no homozygotes.

Submissions (2):

PreventionGenetics, part of Exact Sciences
Classification: Uncertain significance for MYH9-related condition. Last evaluated: 2026-04-07. Review status: criteria provided, single submitter. Criteria: ACMG Guidelines, 2015. Collection method: clinical testing. Allele origin: germline.
Comment: The MYH9 c.1561C>T variant is predicted to result in the amino acid substitution p.Pro521Ser. To our knowledge, this variant has not been reported in the literature or in a large population database (gnomAD), indicating this variant is rare. At this time, the clinical significance of this variant is uncertain due to the absence of conclusive functional and genetic evidence.

Genetic Services Laboratory, University of Chicago
Classification: Uncertain significance. Last evaluated: 2021-04-02. Review status: criteria provided, single submitter. Criteria: ACMG Guidelines, 2015. Collection method: clinical testing. Allele origin: germline. Affected: no.
Comment: DNA sequence analysis of the MYH9 gene demonstrated a sequence change, c.1561C>T, in exon 14 that results in an amino acid change, p.Pro521Ser. This sequence change is absent from known population databases (gnomAD). The p.Pro521Ser change affects a highly conserved amino acid residue located in a domain of the MYH9 protein that is known to be functional. In-silico pathogenicity prediction tools (SIFT, PolyPhen2, Align GVGD, REVEL) provide contradictory results for the p.Pro512Ser substitution. This sequence change does not appear to have been previously described in patients with MYH9-related disorders. Due to the lack of sufficient evidences, the clinical significance of the p.Pro521Ser change remains unknown at this time.